The following is an entry in ClinVar:

NM_000451.4(SHOX):c.723C>A (p.Phe241Leu)

Gene: SHOX (SHOX homeobox; plus strand). Cytogenetic location: Yp11.2.
Variant type: single nucleotide variant.
Coding change: c.723C>A on transcript NM_000451.4 (MANE Select); coding-DNA position 723, C replaced by A.
Protein change: p.Phe241Leu; replaces phenylalanine 241 with leucine.
Molecular consequence: missense variant. On other transcripts: intron variant (1).
Genome position (GRCh38, 1-based): chrX:644,480, C>A. VCF-style: chrX-644480-C-A. GRCh37 (hg19) VCF-style: chrX-605215-C-A.
Other names: c.633+3393C>A (NM_006883.2); short protein forms F241L.
Identifiers: ClinVar variation 4880863 (VCV004880863.2).
Genomic context (GRCh38, chrX:644,480, plus strand): 5'-GGCCCACGCGCACCCGCACCTGCACCCGCACCTGGCGGCGCACGCGCCCTACCTGATGTT[C>A]CCCCCGCCGCCCTTCGGGCTGCCCATCGCGTCGCTGGCCGAGTCCGCCTCGGCCGCCGCC-3'
Protein context (NP_000442.1, residues 231-251): HLAAHAPYLM[Phe241Leu]PPPPFGLPIA

ClinVar aggregate classification (germline): Uncertain significance (1 of 4 stars; one submission).

gnomAD v4.1: 2 of 1,522,676 alleles (0.00013%); no homozygotes.

Submission:

Dasa
Classification: Uncertain significance. Last evaluated: 2024-12-10. Review status: criteria provided, single submitter. Criteria: DASA Assertion Criteria. Collection method: clinical testing. Allele origin: germline.
Comment: NM_000451.4(SHOX):c.723C>A (p.Phe241Leu) is a missense variant that results in the substitution of phenylalanine with leucine. This variant is rare in population databases. The currently available literature and clinical evidence are not sufficient to establish a definitive association between this variant and the reported condition. Therefore, this variant is classified as a variant of uncertain significance.